The following is an entry in ClinVar:

ClinVar aggregate classification (germline): Uncertain significance (1 of 4 stars; one submission).

Conditions:
Spastic paraplegia. Identifiers: MedGen C0037772, HP:0001258.

Allele frequency attached by ClinVar (database versions not stated): gnomAD exomes below 0.00001.
gnomAD v4.1: 3 of 1,613,846 alleles (0.00019%); highest among the groups gnomAD compares: Middle Eastern, 0.017%; no homozygotes.

Submission:

Labcorp Genetics (formerly Invitae), Labcorp
Classification: Uncertain significance for Spastic paraplegia. Last evaluated: 2021-09-01. Review status: criteria provided, single submitter. Criteria: Invitae Variant Classification Sherloc (09022015). Collection method: clinical testing. Allele origin: germline.
Comment: In summary, the available evidence is currently insufficient to determine the role of this variant in disease. Therefore, it has been classified as a Variant of Uncertain Significance. Advanced modeling of protein sequence and biophysical properties (such as structural, functional, and spatial information, amino acid conservation, physicochemical variation, residue mobility, and thermodynamic stability) performed at Invitae indicates that this missense variant is not expected to disrupt KIF5A protein function. This variant has not been reported in the literature in individuals affected with KIF5A-related conditions. This variant is not present in population databases (ExAC no frequency). This sequence change replaces glutamic acid with lysine at codon 743 of the KIF5A protein (p.Glu743Lys). The glutamic acid residue is highly conserved and there is a small physicochemical difference between glutamic acid and lysine.

NM_004984.4(KIF5A):c.2227G>A (p.Glu743Lys)

Gene: KIF5A (kinesin family member 5A; plus strand). Cytogenetic location: 12q13.3.
Variant type: single nucleotide variant.
Coding change: c.2227G>A on transcript NM_004984.4 (MANE Select); coding-DNA position 2227, G replaced by A.
Protein change: p.Glu743Lys; replaces glutamic acid 743 with lysine.
Molecular consequence: missense variant.
Genome position (GRCh38, 1-based): chr12:57,576,789, G>A. VCF-style: chr12-57576789-G-A. GRCh37 (hg19) VCF-style: chr12-57970572-G-A.
Other names: c.1960G>A, p.Glu654Lys (NM_001354705.2); short protein forms E654K, E743K.
Identifiers: ClinVar variation 1399666 (VCV001399666.6), dbSNP rs1369177203, ClinGen allele CA385511506.